The following is an entry in ClinVar:

NM_001371279.1(REEP1):c.503C>T (p.Ser168Leu)

Gene: REEP1 (receptor accessory protein 1; minus strand). Cytogenetic location: 2p11.2.
Variant type: single nucleotide variant.
Coding change: c.503C>T on transcript NM_001371279.1 (MANE Select); coding-DNA position 503, C replaced by T.
Protein change: p.Ser168Leu; replaces serine 168 with leucine.
Molecular consequence: missense variant. On other transcripts: intron variant (1).
Genome position (GRCh38, 1-based): chr2:86,232,717, G>A on the plus strand (C>T on the coding strand, the complement: REEP1 is on the minus strand). VCF-style: chr2-86232717-G-A. GRCh37 (hg19) VCF-style: chr2-86459840-G-A.
Other names: c.524C>T, p.Ser175Leu (NM_001164730.2); c.422C>T, p.Ser141Leu (NM_001164731.2); c.268C>T, p.Arg90Trp (NM_001164732.2); c.503C>T, p.Ser168Leu (NM_001410855.1, NM_001410856.1, NM_022912.3); c.418-15607C>T (NM_001371280.1); short protein forms S141L, R90W, S168L, S175L.
Identifiers: ClinVar variation 2047524 (VCV002047524.7), dbSNP rs757524060, ClinGen allele CA1748702.

ClinVar aggregate classification (germline): Uncertain significance. Review status: criteria provided, multiple submitters, no conflicts (2 of 4 stars). 3 submissions from 3 submitters: Uncertain significance (3). Last evaluated 2026-08-20.

Conditions:
Inborn genetic diseases. Identifiers: MedGen C0950123, MeSH D030342.
Hereditary spastic paraplegia 31. Also called: SPASTIC PARAPLEGIA 31, AUTOSOMAL DOMINANT. Identifiers: Orphanet 101011, MedGen C1853247, MONDO:0012453, OMIM 610250.
Neuronopathy, distal hereditary motor, type 5B. Also called: HMN VB; DHMN VB; NEURONOPATHY, DISTAL HEREDITARY MOTOR, HARDING TYPE VB; NEUROPATHY, DISTAL HEREDITARY MOTOR, HARDING TYPE VB; SPINAL MUSCULAR ATROPHY, DISTAL, HARDING TYPE VB. Identifiers: Orphanet 139536, MedGen C3553656, MONDO:0013884, OMIM 614751.
Spinal muscular atrophy, distal, autosomal recessive, 6 (HMNR6). Also called: NEUROPATHY, DISTAL HEREDITARY MOTOR, AUTOSOMAL RECESSIVE 6; NEURONOPATHY, DISTAL HEREDITARY MOTOR, AUTOSOMAL RECESSIVE 6. Identifiers: MedGen C5774201, MONDO:0859279, OMIM 620011.

Allele frequency attached by ClinVar (database versions not stated): gnomAD 0.00001; TOPMed below 0.00001; ExAC 0.00003; gnomAD exomes 0.00001.

Submissions (3):

Ambry Genetics
Classification: Uncertain significance for Inborn genetic diseases. Last evaluated: 2026-08-20. Review status: criteria provided, single submitter. Criteria: Ambry Variant Classification Scheme 2023. Collection method: clinical testing. Allele origin: germline.
Comment: The c.503C>T (p.S168L) alteration is located in exon 6 (coding exon 6) of the REEP1 gene. This alteration results from a C to T substitution at nucleotide position 503, causing the serine (S) at amino acid position 168 to be replaced by a leucine (L). Based on data from gnomAD, the T allele has an overall frequency of 0.002% (5/275788) total alleles studied. The highest observed frequency was 0.005% (1/19818) of East Asian alleles. Based on insufficient or conflicting evidence, the clinical significance of this alteration remains unclear.

Labcorp Genetics (formerly Invitae), Labcorp
Classification: Uncertain significance for Hereditary spastic paraplegia 31. Last evaluated: 2024-12-08. Review status: criteria provided, single submitter. Criteria: Invitae Variant Classification Sherloc (09022015). Collection method: clinical testing. Allele origin: germline.
Comment: This sequence change replaces serine, which is neutral and polar, with leucine, which is neutral and non-polar, at codon 168 of the REEP1 protein (p.Ser168Leu). This variant is present in population databases (rs757524060, gnomAD 0.005%). This variant has not been reported in the literature in individuals affected with REEP1-related conditions. ClinVar contains an entry for this variant (Variation ID: 2047524). An algorithm developed to predict the effect of missense changes on protein structure and function (PolyPhen-2) suggests that this variant is likely to be tolerated. In summary, the available evidence is currently insufficient to determine the role of this variant in disease. Therefore, it has been classified as a Variant of Uncertain Significance.

Department of Pathology and Laboratory Medicine, Sinai Health System
Classification: Uncertain significance for Hereditary spastic paraplegia 31; Neuronopathy, distal hereditary motor, type 5B; Spinal muscular atrophy, distal, autosomal recessive, 6. Last evaluated: 2020-08-06. Review status: criteria provided, single submitter. Criteria: ACMG Guidelines, 2015. Collection method: research. Allele origin: germline.